The following continues an entry in ClinVar:

NM_000051.4(ATM):c.2021A>G (p.His674Arg)

Gene: ATM. ClinVar aggregate classification (germline): Conflicting classifications of pathogenicity. Uncertain significance (9); Benign (1); Likely benign (7).

Submissions 18 to 22 of 22:

PreventionGenetics, part of Exact Sciences
Classification: Likely benign for ATM-related condition. Last evaluated: 2024-01-19. Review status: no assertion criteria provided. Collection method: clinical testing. Allele origin: germline. Not counted in ClinVar's aggregate classification.
Comment: This variant is classified as likely benign based on ACMG/AMP sequence variant interpretation guidelines (Richards et al. 2015 PMID: 25741868, with internal and published modifications).

Mayo Clinic Health System - Franciscan Health care, Mayo Clinic Health System
Classification: Uncertain significance for Bilateral Breast Carcinoma. Last evaluated: 2014-09-25. Review status: no assertion criteria provided. Collection method: clinical testing. Allele origin: germline. Affected: yes. Not counted in ClinVar's aggregate classification.

Clinical Genetics Laboratory, Department of Pathology, Netherlands Cancer Institute
Classification: Likely benign. Review status: no assertion criteria provided. Collection method: clinical testing. Allele origin: germline. Affected: yes. Study: VKGL Data-share Consensus. Not counted in ClinVar's aggregate classification.

Department of Pathology and Laboratory Medicine, Sinai Health System
Classification: Uncertain significance for Malignant tumor of breast. Review status: no assertion criteria provided. Collection method: clinical testing. Allele origin: unknown. Affected: yes. Study: The Canadian Open Genetics Repository (COGR). Not counted in ClinVar's aggregate classification.
Comment: The ATM p.His674Arg variant was identified in the ATM mutation-screening data from the literature study in 1 of 4798 (freq. 0.0002) control chromosomes from healthy individuals and was not identified in 8224 proband chromosomes from individuals or families with breast cancer (Tavtigian 2009). The variant was also identified in dbSNP (ID: rs201762714) as "With Uncertain significance allele" and in ClinVar (classified as uncertain significance by GeneDx, Invitae, Ambry Genetics and four other submitters). The variant was not identified in LOVD 3.0. The variant was identified in control databases in 45 of 277138 chromosomes at a frequency of 0.0002 (Genome Aggregation Database Feb 27, 2017). The variant was observed in the following populations: Latino in 5 of 34418 chromosomes (freq: 0.0002), European in 14 of 126640 chromosomes (freq: 0.0001), and South Asian in 26 of 30782 chromosomes (freq: 0.0009), while the variant was not observed in the African, Other, Ashkenazi Jewish, East Asian, or Finnish populations. The p.His674 residue is not conserved in mammals and computational analyses (PolyPhen-2, SIFT, AlignGVGD, BLOSUM, MutationTaster) do not suggest a high likelihood of impact to the protein; however, this information is not predictive enough to rule out pathogenicity. The variant occurs outside of the splicing consensus sequence and in silico or computational prediction software programs (SpliceSiteFinder, MaxEntScan, NNSPLICE, GeneSplicer) do not predict a difference in splicing. In summary, based on the above information, the clinical significance of this variant cannot be determined with certainty at this time. This variant is classified as a variant of uncertain significance.

Joint Genome Diagnostic Labs from Nijmegen and Maastricht, Radboudumc and MUMC+
Classification: Likely benign. Review status: no assertion criteria provided. Collection method: clinical testing. Allele origin: germline. Affected: yes. Study: VKGL Data-share Consensus. Not counted in ClinVar's aggregate classification.

Literature cited by the submitters: PubMed 19781682 (cited by 4 submitters); PubMed 26689913 (cited by Women's Health and Genetics/Laboratory Corporation of America, LabCorp and Quest Diagnostics Nichols Institute San Juan Capistrano); PubMed 26787654 (cited by Women's Health and Genetics/Laboratory Corporation of America, LabCorp and Quest Diagnostics Nichols Institute San Juan Capistrano); PubMed 31206626 (cited by Women's Health and Genetics/Laboratory Corporation of America, LabCorp and Quest Diagnostics Nichols Institute San Juan Capistrano); PubMed 31159747 (cited by Women's Health and Genetics/Laboratory Corporation of America, LabCorp and Quest Diagnostics Nichols Institute San Juan Capistrano); PubMed 32283892 (cited by Women's Health and Genetics/Laboratory Corporation of America, LabCorp and Quest Diagnostics Nichols Institute San Juan Capistrano); PubMed 33471991 (cited by Women's Health and Genetics/Laboratory Corporation of America, LabCorp and Quest Diagnostics Nichols Institute San Juan Capistrano); PubMed 35264596 (cited by Women's Health and Genetics/Laboratory Corporation of America, LabCorp and Quest Diagnostics Nichols Institute San Juan Capistrano); PubMed 36200007 (cited by Quest Diagnostics Nichols Institute San Juan Capistrano); PubMed 32885271 (cited by Quest Diagnostics Nichols Institute San Juan Capistrano); PubMed 29641532 (cited by Quest Diagnostics Nichols Institute San Juan Capistrano); PubMed 28779002 (cited by Quest Diagnostics Nichols Institute San Juan Capistrano); PubMed 28873162 (cited by Quest Diagnostics Nichols Institute San Juan Capistrano); PubMed 25085752 (cited by Myriad Genetics, Inc.).